The following is an entry in ClinVar:

ClinVar aggregate classification (germline): Uncertain significance (1 of 4 stars; one submission).

Conditions:
Dilated cardiomyopathy 1G (CMD1G). Identifiers: Orphanet 154, MedGen C1858763, MONDO:0011400, OMIM 604145.
Autosomal recessive limb-girdle muscular dystrophy type 2J (LGMDR10). Also called: Limb-girdle muscular dystrophy, type 2J; MUSCULAR DYSTROPHY, LIMB-GIRDLE, AUTOSOMAL RECESSIVE 10. Identifiers: Orphanet 140922, MedGen C1837342, MONDO:0012127, OMIM 608807.

Allele frequency attached by ClinVar (database versions not stated): gnomAD exomes below 0.00001; gnomAD 0.00002; TOPMed 0.00004.
gnomAD v4.1: 5 of 1,612,490 alleles (0.00031%); highest among the groups gnomAD compares: African/African-American, 0.0013%; no homozygotes.

Submission:

Labcorp Genetics (formerly Invitae), Labcorp
Classification: Uncertain significance for Dilated cardiomyopathy 1G; Autosomal recessive limb-girdle muscular dystrophy type 2J. Last evaluated: 2018-07-18. Review status: criteria provided, single submitter. Criteria: Invitae Variant Classification Sherloc (09022015). Collection method: clinical testing. Allele origin: germline.
Comment: This variant is located in the A band of TTN (PMID: 25589632). Variants in this region may be relevant for cardiac or neuromuscular disorders (PMID: 25589632, 23975875). In summary, the available evidence is currently insufficient to determine the role of this variant in disease. Therefore, it has been classified as a Variant of Uncertain Significance. Algorithms developed to predict the effect of sequence changes on RNA splicing suggest that this variant may create or strengthen a splice site, but this prediction has not been confirmed by published transcriptional studies. This variant has not been reported in the literature in individuals with TTN-related disease. This variant is not present in population databases (ExAC no frequency). This sequence change replaces glycine with arginine at codon 30138 of the TTN protein (p.Gly30138Arg). There is a moderate physicochemical difference between glycine and arginine.

Literature cited by the submitters: PubMed 25589632; PubMed 23975875.

NM_001267550.2(TTN):c.90412G>A (p.Gly30138Arg)

Genes: TTN (titin; minus strand), TTN-AS1 (TTN antisense RNA 1; plus strand). Cytogenetic location: 2q31.2.
Variant type: single nucleotide variant.
Coding change: c.90412G>A on transcript NM_001267550.2 (MANE Select); coding-DNA position 90412, G replaced by A.
Protein change: p.Gly30138Arg; replaces glycine 30138 with arginine.
Molecular consequence: missense variant.
Genome position (GRCh38, 1-based): chr2:178,552,488, C>T on the plus strand (G>A on the coding strand, the complement: TTN is on the minus strand). VCF-style: chr2-178552488-C-T. GRCh37 (hg19) VCF-style: chr2-179417215-C-T.
Other names: c.85489G>A, p.Gly28497Arg (NM_001256850.1); c.63217G>A, p.Gly21073Arg (NM_003319.4); c.82708G>A, p.Gly27570Arg (NM_133378.4); c.63592G>A, p.Gly21198Arg (NM_133432.3); c.63793G>A, p.Gly21265Arg (NM_133437.4); short protein forms G21073R, G28497R, G30138R, G21198R, G21265R, G27570R.
Identifiers: ClinVar variation 642552 (VCV000642552.7), dbSNP rs1225356759, ClinGen allele CA349511016.